The following is an entry in ClinVar:

ClinVar aggregate classification (germline): Pathogenic. Review status: reviewed by expert panel (3 of 4 stars). 2 submissions from 2 submitters: Pathogenic (1). 1 of the submissions does not count toward it. Last evaluated 2016-09-08.

Conditions:
Breast-ovarian cancer, familial, susceptibility to, 2 (BROVCA2). Also called: BRCA2 Hereditary Breast and Ovarian Cancer. Identifiers: Orphanet 145, MedGen C2675520, MONDO:0012933, OMIM 612555. Disease mechanism: loss of function.

Submissions (2):

Evidence-based Network for the Interpretation of Germline Mutant Alleles (ENIGMA)
Classification: Pathogenic for Breast-ovarian cancer, familial, susceptibility to, 2. Last evaluated: 2016-09-08. Review status: reviewed by expert panel. Criteria: ENIGMA BRCA1/2 Classification Criteria (2015). Collection method: curation. Allele origin: germline.
Comment: Variant allele predicted to encode a truncated non-functional protein.

Consortium of Investigators of Modifiers of BRCA1/2 (CIMBA), c/o University of Cambridge
Classification: Pathogenic for Breast-ovarian cancer, familial, susceptibility to, 2. Last evaluated: 2015-10-02. Review status: criteria provided, single submitter. Criteria: CIMBA Mutation Classification guidelines May 2016. Collection method: clinical testing. Allele origin: germline. Not counted in ClinVar's aggregate classification.

NM_000059.4(BRCA2):c.1672del (p.Ile558fs)

Gene: BRCA2 (BRCA2 DNA repair associated; plus strand). Cytogenetic location: 13q13.1.
Variant type: Deletion.
Coding change: c.1672del on transcript NM_000059.4 (MANE Select); coding-DNA position 1672, one base deleted (A; older notation c.1672delA).
Protein change: p.Ile558fs; shifts the reading frame from isoleucine 558.
Molecular consequence: frameshift variant.
Genome position (GRCh38, 1-based): chr13:32,333,150, A deleted; the last of 2 consecutive A bases (chr13:32,333,149-32,333,150); deleting either gives the same sequence. VCF-style (leftmost placement, unchanged base first): chr13-32333148-TA-T. GRCh37 (hg19) VCF-style: chr13-32907285-TA-T.
Other names: c.1672delA (NM_000059.3).
Identifiers: ClinVar variation 51172 (VCV000051172.5), dbSNP rs397507601, ClinGen allele CA012875.